The following is an entry in ClinVar:

ClinVar aggregate classification (germline): Uncertain significance (1 of 4 stars; one submission).

Allele frequency attached by ClinVar (database versions not stated): gnomAD exomes below 0.00001; TOPMed below 0.00001.
gnomAD v4.1: 5 of 1,546,558 alleles (0.00032%); highest among the groups gnomAD compares: African/African-American, 0.0014%; no homozygotes.

Submission:

Labcorp Genetics (formerly Invitae), Labcorp
Classification: Uncertain significance. Last evaluated: 2023-03-04. Review status: criteria provided, single submitter. Criteria: Invitae Variant Classification Sherloc (09022015). Collection method: clinical testing. Allele origin: germline.
Comment: This sequence change replaces glycine, which is neutral and non-polar, with alanine, which is neutral and non-polar, at codon 217 of the CCT2 protein (p.Gly217Ala). This variant is not present in population databases (gnomAD no frequency). This variant has not been reported in the literature in individuals affected with CCT2-related conditions. An algorithm developed to predict the effect of missense changes on protein structure and function (PolyPhen-2) suggests that this variant is likely to be disruptive. In summary, the available evidence is currently insufficient to determine the role of this variant in disease. Therefore, it has been classified as a Variant of Uncertain Significance.

NM_006431.3(CCT2):c.650G>C (p.Gly217Ala)

Gene: CCT2 (chaperonin containing TCP1 subunit 2; plus strand). Cytogenetic location: 12q15.
Variant type: single nucleotide variant.
Coding change: c.650G>C on transcript NM_006431.3 (MANE Select); coding-DNA position 650, G replaced by C.
Protein change: p.Gly217Ala; replaces glycine 217 with alanine.
Molecular consequence: missense variant.
Genome position (GRCh38, 1-based): chr12:69,592,059, G>C. VCF-style: chr12-69592059-G-C. GRCh37 (hg19) VCF-style: chr12-69985839-G-C.
Other names: c.509G>C, p.Gly170Ala (NM_001198842.2); short protein forms G217A, G170A.
Identifiers: ClinVar variation 2842917 (VCV002842917.3), dbSNP rs1881850008, ClinGen allele CA385727982.